The following is an entry in ClinVar:

ClinVar aggregate classification (germline): Likely benign (0 of 4 stars; one submission).

Conditions:
SEMA3G-related disorder. Also called: SEMA3G-related condition.

Allele frequency attached by ClinVar (database versions not stated): TOPMed 0.00040; ExAC 0.00055; gnomAD 0.00056; ESP Exome Variant Server 0.00062; gnomAD exomes 0.00073.
gnomAD v4.1: 1,125 of 1,603,644 alleles (0.07%); highest among the groups gnomAD compares: Non-Finnish European, 0.079%; 1 homozygote.

Submission:

PreventionGenetics, part of Exact Sciences
Classification: Likely benign for SEMA3G-related condition. Last evaluated: 2021-09-08. Review status: no assertion criteria provided. Collection method: clinical testing. Allele origin: germline.
Comment: This variant is classified as likely benign based on ACMG/AMP sequence variant interpretation guidelines (Richards et al. 2015 PMID: 25741868, with internal and published modifications).

NM_020163.3(SEMA3G):c.340-4G>A

Gene: SEMA3G (semaphorin 3G; minus strand). Cytogenetic location: 3p21.1.
Variant type: single nucleotide variant.
Coding change: c.340-4G>A on transcript NM_020163.3 (MANE Select); 4 bases into the intron before coding-DNA position 340, G replaced by A.
Molecular consequence: intron variant.
Genome position (GRCh38, 1-based): chr3:52,442,308, C>T on the plus strand (G>A on the coding strand, the complement: SEMA3G is on the minus strand). VCF-style: chr3-52442308-C-T. GRCh37 (hg19) VCF-style: chr3-52476324-C-T.
Identifiers: ClinVar variation 3045694 (VCV003045694.2), dbSNP rs200437216, ClinGen allele CA2438365.
Genomic context (GRCh38, chr3:52,442,308, plus strand): 5'-TAGCAGGTGGGTCCGGTTGTGAGGCTGTAGCACCCGCACGAAGTTGGCGCACTCTGTCTG[C>T]GGGGAGAAGGAGGGGGTGGTTGAGGGGTGAGAGGGGGTGCCCACCATCTCCTTGGGGCCC-3'